The following is an entry in ClinVar:

ClinVar aggregate classification (germline): Pathogenic (1 of 4 stars; one submission).

Conditions:
Long QT syndrome (LQTS). Identifiers: MedGen C0023976, MeSH D008133, MONDO:0002442. Disease mechanism: loss of function. Inheritance: Various modes of inheritance.

Submission:

Labcorp Genetics (formerly Invitae), Labcorp
Classification: Pathogenic for Long QT syndrome. Last evaluated: 2021-05-04. Review status: criteria provided, single submitter. Criteria: Invitae Variant Classification Sherloc (09022015). Collection method: clinical testing. Allele origin: germline.
Comment: This sequence change creates a premature translational stop signal (p.His762Argfs*41) in the KCNH2 gene. It is expected to result in an absent or disrupted protein product. Loss-of-function variants in KCNH2 are known to be pathogenic (PMID: 10973849, 19862833). This variant is not present in population databases (ExAC no frequency). This variant has not been reported in the literature in individuals with KCNH2-related conditions. ClinVar contains an entry for this variant (Variation ID: 937182). For these reasons, this variant has been classified as Pathogenic.

Literature cited by the submitters: PubMed 10973849; PubMed 19862833.

NM_000238.4(KCNH2):c.2285_2286del (p.His762fs)

Gene: KCNH2 (potassium voltage-gated channel subfamily H member 2; minus strand). Cytogenetic location: 7q36.1.
Variant type: Deletion.
Coding change: c.2285_2286del on transcript NM_000238.4 (MANE Select); coding-DNA positions 2285 to 2286, 2 bases deleted (AT; older notation c.2285_2286delAT).
Protein change: p.His762fs; shifts the reading frame from histidine 762.
Molecular consequence: frameshift variant.
Genome position (GRCh38, 1-based): chr7:150,950,280-150,950,281, AT deleted on the plus strand (AT on the coding strand, the reverse complement: KCNH2 is on the minus strand). VCF-style (leftmost placement, unchanged base first): chr7-150950279-CAT-C. GRCh37 (hg19) VCF-style: chr7-150647367-CAT-C.
Other names: c.2285_2286delAT, p.His762Argfs (NM_000238.3, NM_172056.3); c.1265_1266del, p.His422fs (NM_001204798.2, NM_172057.3); c.1997_1998delAT, p.His666Argfs (NM_001406753.1, NM_001406756.1); c.2108_2109delAT, p.His703Argfs (NM_001406755.1); c.1985_1986delAT, p.His662Argfs (NM_001406757.1); short protein forms H422fs, H762fs.
Identifiers: ClinVar variation 937182 (VCV000937182.8), dbSNP rs1801088980, ClinGen allele CA1139660304.